The following is an entry in ClinVar:

ClinVar aggregate classification (germline): Benign/Likely benign. Review status: criteria provided, multiple submitters, no conflicts (2 of 4 stars). 2 submissions from 2 submitters: Benign (1); Likely benign (1). Last evaluated 2025-08-09.

Conditions:
PDE6C-related disorder. Also called: PDE6C-related condition.

Submissions (2):

PreventionGenetics, part of Exact Sciences
Classification: Likely benign for PDE6C-related condition. Last evaluated: 2025-08-09. Review status: criteria provided, single submitter. Criteria: ACMG Guidelines, 2015. Collection method: clinical testing. Allele origin: germline.
Comment: This variant is classified as likely benign based on ACMG/AMP sequence variant interpretation guidelines (Richards et al. 2015 PMID: 25741868, with internal and published modifications).

Labcorp Genetics (formerly Invitae), Labcorp
Classification: Benign. Last evaluated: 2025-03-17. Review status: criteria provided, single submitter. Criteria: Invitae Variant Classification Sherloc (09022015). Collection method: clinical testing. Allele origin: germline.

NM_006204.4(PDE6C):c.1738-3del

Gene: PDE6C (phosphodiesterase 6C; plus strand). Cytogenetic location: 10q23.33.
Variant type: Deletion.
Coding change: c.1738-3del on transcript NM_006204.4 (MANE Select); 3 bases into the intron before coding-DNA position 1738, one base deleted (T; older notation c.1738-3delT).
Molecular consequence: intron variant.
Genome position (GRCh38, 1-based): chr10:93,640,917, T deleted; the last of 7 consecutive T bases (chr10:93,640,911-93,640,917); deleting any one gives the same sequence. VCF-style (leftmost placement, unchanged base first): chr10-93640910-AT-A. GRCh37 (hg19) VCF-style: chr10-95400667-AT-A.
Other names: c.1738-3delT (NM_006204.3).
Identifiers: ClinVar variation 1533996 (VCV001533996.9), dbSNP rs758568616, ClinGen allele CA5610288.